The following is an entry in ClinVar:

NM_013339.4(ALG6):c.1051G>A (p.Val351Met)

Gene: ALG6 (ALG6 alpha-1,3-glucosyltransferase; plus strand). Cytogenetic location: 1p31.3.
Variant type: single nucleotide variant.
Coding change: c.1051G>A on transcript NM_013339.4 (MANE Select); coding-DNA position 1051, G replaced by A.
Protein change: p.Val351Met; replaces valine 351 with methionine.
Molecular consequence: missense variant.
Genome position (GRCh38, 1-based): chr1:63,419,433, G>A. VCF-style: chr1-63419433-G-A. GRCh37 (hg19) VCF-style: chr1-63885104-G-A.
Other names: short protein forms V351M.
Identifiers: ClinVar variation 2003987 (VCV002003987.4), dbSNP rs1644562337, ClinGen allele CA340638080.

ClinVar aggregate classification (germline): Uncertain significance (1 of 4 stars; one submission).

Conditions:
ALG6-congenital disorder of glycosylation 1C (CDG1C). Also called: CARBOHYDRATE-DEFICIENT GLYCOPROTEIN SYNDROME, TYPE I, WITH DEFICIENT GLYCOSYLATION OF DOLICHOL-LINKED OLIGOSACCHARIDE; CARBOHYDRATE-DEFICIENT GLYCOPROTEIN SYNDROME, TYPE V; Congenital disorder of glycosylation type 1C; CDG Ic; Congenital disorder of glycosylation, type Ic. Identifiers: Orphanet 79320, MedGen C2930997, MONDO:0011291, OMIM 603147.

Allele frequency attached by ClinVar (database versions not stated): gnomAD 0.00001.
gnomAD v4.1: 1 of 1,597,604 alleles (0.000063%); highest among the groups gnomAD compares: Admixed American, 0.0017%; no homozygotes.

Submission:

Labcorp Genetics (formerly Invitae), Labcorp
Classification: Uncertain significance for ALG6-congenital disorder of glycosylation 1C. Last evaluated: 2023-07-10. Review status: criteria provided, single submitter. Criteria: Invitae Variant Classification Sherloc (09022015). Collection method: clinical testing. Allele origin: germline.
Comment: Advanced modeling of protein sequence and biophysical properties (such as structural, functional, and spatial information, amino acid conservation, physicochemical variation, residue mobility, and thermodynamic stability) performed at Invitae indicates that this missense variant is expected to disrupt ALG6 protein function. In summary, the available evidence is currently insufficient to determine the role of this variant in disease. Therefore, it has been classified as a Variant of Uncertain Significance. ClinVar contains an entry for this variant (Variation ID: 2003987). This variant has not been reported in the literature in individuals affected with ALG6-related conditions. This variant is not present in population databases (gnomAD no frequency). This sequence change replaces valine, which is neutral and non-polar, with methionine, which is neutral and non-polar, at codon 351 of the ALG6 protein (p.Val351Met).